The following is an entry in ClinVar:

NM_001374828.1(ARID1B):c.1170CGG[6] (p.Gly401_Gly402del)

Gene: ARID1B (AT-rich interaction domain 1B; plus strand). Cytogenetic location: 6q25.3.
Variant type: Microsatellite.
Coding change: c.1170CGG[6] on transcript NM_001374828.1 (MANE Select); six copies in a row of the 3-base unit CGG starting at c.1170; the reference has eight copies in a row; two copies, 6 bases deleted.
Protein change: p.Gly401_Gly402del.
Molecular consequence: inframe deletion.
Genome position (GRCh38, 1-based): chr6:156,778,868-156,778,873, CGGCGG deleted; deleting any 6 consecutive bases within chr6:156,778,848-156,778,873 gives the same sequence; the position shown is the placement nearest the transcript's 3' end. VCF-style (leftmost placement, unchanged base first): chr6-156778847-GGGCGGC-G. GRCh37 (hg19) VCF-style: chr6-157099981-GGGCGGC-G.
Other names: c.939_944delCGGCGG (NM_020732.3); c.1170CGG[6], p.Gly401_Gly402del (NM_001371656.1, NM_001374820.1, NM_017519.3).
Identifiers: ClinVar variation 126338 (VCV000126338.82), dbSNP rs587779747, ClinGen allele CA151072.

ClinVar aggregate classification (germline): Benign/Likely benign. Review status: criteria provided, multiple submitters, no conflicts (2 of 4 stars). 6 submissions from 6 submitters: Benign (1); Likely benign (5). Last evaluated 2026-05-01.

Conditions:
Inborn genetic diseases. Identifiers: MedGen C0950123, MeSH D030342.

Submissions (6):

CeGaT Center for Human Genetics Tuebingen
Classification: Likely benign. Last evaluated: 2026-05-01. Review status: criteria provided, single submitter. Criteria: CeGaT Center For Human Genetics Tuebingen Variant Classification Criteria Version 2. Collection method: clinical testing. Allele origin: germline. Affected: yes. Observed: 6 variant alleles.
Comment: ARID1B: BS1

Labcorp Genetics (formerly Invitae), Labcorp
Classification: Likely benign. Last evaluated: 2026-01-28. Review status: criteria provided, single submitter. Criteria: Invitae Variant Classification Sherloc (09022015). Collection method: clinical testing. Allele origin: germline.

Blueprint Genetics
Classification: Likely benign. Last evaluated: 2024-11-01. Review status: criteria provided, single submitter. Criteria: ACMG Guidelines, 2015. Collection method: clinical testing. Allele origin: germline.

Ambry Genetics
Classification: Likely benign for Inborn genetic diseases. Last evaluated: 2021-12-17. Review status: criteria provided, single submitter. Criteria: Ambry Variant Classification Scheme 2023. Collection method: clinical testing. Allele origin: germline.

GeneDx
Classification: Benign. Last evaluated: 2019-07-25. Review status: criteria provided, single submitter. Criteria: GeneDx Variant Classification Process June 2021. Collection method: clinical testing. Allele origin: germline. Affected: yes.

Genetic Services Laboratory, University of Chicago
Classification: Likely benign. Last evaluated: 2014-03-25. Review status: criteria provided, single submitter. Criteria: ACMG Guidelines, 2007. Collection method: clinical testing. Allele origin: germline.